The following is an entry in ClinVar:

NM_003002.4(SDHD):c.283C>G (p.Leu95Val)

Gene: SDHD (succinate dehydrogenase complex subunit D; plus strand). Cytogenetic location: 11q23.1.
Variant type: single nucleotide variant.
Coding change: c.283C>G on transcript NM_003002.4 (MANE Select); coding-DNA position 283, C replaced by G.
Protein change: p.Leu95Val; replaces leucine 95 with valine.
Molecular consequence: missense variant. On other transcripts: non-coding transcript variant (1), intron variant (1).
Genome position (GRCh38, 1-based): chr11:112,088,980, C>G. VCF-style: chr11-112088980-C-G. GRCh37 (hg19) VCF-style: chr11-111959704-C-G.
Other names: c.166C>G, p.Leu56Val (NM_001276504.2); c.283C>G, p.Leu95Val (NM_001276506.2); c.169+1007C>G (NM_001276503.2); short protein forms L56V, L95V.
Identifiers: ClinVar variation 1387132 (VCV001387132.8), dbSNP rs1865691704, ClinGen allele CA382617376.

ClinVar aggregate classification (germline): Uncertain significance (1 of 4 stars; one submission).

Conditions:
Carney-Stratakis syndrome. Also called: PARAGANGLIOMA AND GASTROINTESTINAL STROMAL TUMOR. Identifiers: Orphanet 97286, MedGen C1847319, MONDO:0011740, OMIM 606864.
Pheochromocytoma. Also called: MAX-Related Hereditary Paraganglioma-Pheochromocytoma Syndrome. Identifiers: Orphanet 29072, MedGen C0031511, MONDO:0008233, OMIM 171300, HP:0002666.
Paragangliomas with sensorineural hearing loss. Identifiers: MedGen C1868633.
Cowden syndrome 3 (CWS3). Identifiers: Orphanet 201, MedGen CN166604, MONDO:0014045.

Allele frequency attached by ClinVar (database versions not stated): gnomAD exomes below 0.00001.
gnomAD v4.1: 2 of 1,614,220 alleles (0.00012%); highest among the groups gnomAD compares: South Asian, 0.0011%; no homozygotes.

Submission:

Labcorp Genetics (formerly Invitae), Labcorp
Classification: Uncertain significance for Carney-Stratakis syndrome; Paragangliomas with sensorineural hearing loss; Pheochromocytoma; Cowden syndrome 3. Last evaluated: 2023-09-10. Review status: criteria provided, single submitter. Criteria: Invitae Variant Classification Sherloc (09022015). Collection method: clinical testing. Allele origin: germline.
Comment: In summary, the available evidence is currently insufficient to determine the role of this variant in disease. Therefore, it has been classified as a Variant of Uncertain Significance. This variant disrupts the p.Leu95 amino acid residue in SDHD. Other variant(s) that disrupt this residue have been determined to be pathogenic (PMID: 12218630, 25300370). This suggests that this residue is clinically significant, and that variants that disrupt this residue are likely to be disease-causing. Advanced modeling of protein sequence and biophysical properties (such as structural, functional, and spatial information, amino acid conservation, physicochemical variation, residue mobility, and thermodynamic stability) has been performed at Invitae for this missense variant, however the output from this modeling did not meet the statistical confidence thresholds required to predict the impact of this variant on SDHD protein function. ClinVar contains an entry for this variant (Variation ID: 1387132). This variant has not been reported in the literature in individuals affected with SDHD-related conditions. This variant is not present in population databases (gnomAD no frequency). This sequence change replaces leucine, which is neutral and non-polar, with valine, which is neutral and non-polar, at codon 95 of the SDHD protein (p.Leu95Val).

Literature cited by the submitters: PubMed 12218630; PubMed 25300370.